The following is an entry in ClinVar:

ClinVar aggregate classification (germline): Uncertain significance. Review status: criteria provided, single submitter (1 of 4 stars). 2 submissions from 1 submitter: Uncertain significance (2). Last evaluated 2018-08-31.

Conditions:
Generalized epilepsy with febrile seizures plus, type 10. Also called: GEFS+, TYPE 10. Identifiers: MedGen C5193120, MONDO:0032777, OMIM 618482.
Developmental and epileptic encephalopathy, 24 (DEE24). Also called: Epileptic encephalopathy, early infantile, 24. Identifiers: Orphanet 442835, MedGen C4014531, MONDO:0014377, OMIM 615871.

Allele frequency attached by ClinVar (database versions not stated): gnomAD exomes below 0.00001; ExAC 0.00001.
gnomAD v4.1: 3 of 1,613,976 alleles (0.00019%); highest among the groups gnomAD compares: Non-Finnish European, 0.00025%; no homozygotes.

Submissions (2):

Center for Genomics, Ann and Robert H. Lurie Children's Hospital of Chicago
Classification: Uncertain significance for Developmental and epileptic encephalopathy, 24. Last evaluated: 2018-08-31. Review status: criteria provided, single submitter. Criteria: ACMG Guidelines, 2015. Collection method: clinical testing. Allele origin: germline.
Comment: HCN1 NM_021072.3 exon 8 p.Leu673= (c.2019G>A): This variant has not been reported in the literature and is present in 0.001% (1/111718) of European alleles in the Genome Aggregation Database. Evolutionary conservation and computational predictive tools for this variant are limited or unavailable. Of note, this variant is a silent variant and does not change the amino acid, reducing the probability that this variant is disease causing. In summary, data on this variant is insufficient for disease classification. Therefore, the clinical significance of this variant is uncertain.

Center for Genomics, Ann and Robert H. Lurie Children's Hospital of Chicago
Classification: Uncertain significance for Developmental and epileptic encephalopathy, 24; Generalized epilepsy with febrile seizures plus, type 10. Review status: criteria provided, single submitter. Criteria: ACMG Guidelines, 2015. Collection method: clinical testing. Allele origin: germline.
Comment: the same text as in the submission from Center for Genomics, Ann and Robert H. Lurie Children's Hospital of Chicago above.

NM_021072.4(HCN1):c.2019G>A (p.Leu673=)

Gene: HCN1 (hyperpolarization activated cyclic nucleotide gated potassium channel 1; minus strand). Cytogenetic location: 5p12.
Variant type: single nucleotide variant.
Coding change: c.2019G>A on transcript NM_021072.4 (MANE Select); coding-DNA position 2019, G replaced by A.
Protein change: p.Leu673=; no amino-acid change (leucine 673 retained).
Molecular consequence: synonymous variant.
Genome position (GRCh38, 1-based): chr5:45,262,575, C>T on the plus strand (G>A on the coding strand, the complement: HCN1 is on the minus strand). VCF-style: chr5-45262575-C-T. GRCh37 (hg19) VCF-style: chr5-45262677-C-T.
Identifiers: ClinVar variation 625958 (VCV000625958.3), dbSNP rs767602409, ClinGen allele CA3259177.